The following is an entry in ClinVar:

NM_001015880.2(PAPSS2):c.1541T>C (p.Ile514Thr)

Gene: PAPSS2 (3'-phosphoadenosine 5'-phosphosulfate synthase 2; plus strand). Cytogenetic location: 10q23.31.
Variant type: single nucleotide variant.
Coding change: c.1541T>C on transcript NM_001015880.2 (MANE Select); coding-DNA position 1541, T replaced by C.
Protein change: p.Ile514Thr; replaces isoleucine 514 with threonine.
Molecular consequence: missense variant.
Genome position (GRCh38, 1-based): chr10:87,745,051, T>C. VCF-style: chr10-87745051-T-C. GRCh37 (hg19) VCF-style: chr10-89504808-T-C.
Other names: c.1526T>C, p.Ile509Thr (NM_004670.4); short protein forms I514T, I509T.
Identifiers: ClinVar variation 2044427 (VCV002044427.3), dbSNP rs2492877644, ClinGen allele CA377483731.

ClinVar aggregate classification (germline): Uncertain significance (1 of 4 stars; one submission).

Conditions:
Spondyloepimetaphyseal dysplasia, PAPSS2 type. Also called: SEMD, PAKISTANI TYPE; BRACHYOLMIA TYPE 4 WITH MILD EPIPHYSEAL AND METAPHYSEAL CHANGES; SPONDYLODYSPLASIA AND PREMATURE PUBARCHE. Identifiers: Orphanet 93282, MedGen C2748516, MONDO:0019666, OMIM 612847.

Allele frequency attached by ClinVar (database versions not stated): gnomAD exomes 0.00001.
gnomAD v4.1: 5 of 1,614,122 alleles (0.00031%); highest among the groups gnomAD compares: Non-Finnish European, 0.00042%; no homozygotes.

Submission:

Labcorp Genetics (formerly Invitae), Labcorp
Classification: Uncertain significance for Spondyloepimetaphyseal dysplasia, PAPSS2 type. Last evaluated: 2023-07-07. Review status: criteria provided, single submitter. Criteria: Invitae Variant Classification Sherloc (09022015). Collection method: clinical testing. Allele origin: germline.
Comment: In summary, the available evidence is currently insufficient to determine the role of this variant in disease. Therefore, it has been classified as a Variant of Uncertain Significance. An algorithm developed to predict the effect of missense changes on protein structure and function (PolyPhen-2) suggests that this variant is likely to be disruptive. ClinVar contains an entry for this variant (Variation ID: 2044427). This variant has not been reported in the literature in individuals affected with PAPSS2-related conditions. This variant is not present in population databases (gnomAD no frequency). This sequence change replaces isoleucine, which is neutral and non-polar, with threonine, which is neutral and polar, at codon 514 of the PAPSS2 protein (p.Ile514Thr).